The following is an entry in ClinVar:

NM_018043.7(ANO1):c.36C>A (p.Ala12=)

Gene: ANO1 (anoctamin 1; plus strand). Cytogenetic location: 11q13.3.
Variant type: single nucleotide variant.
Coding change: c.36C>A on transcript NM_018043.7 (MANE Select); coding-DNA position 36, C replaced by A.
Protein change: p.Ala12=; no amino-acid change (alanine 12 retained).
Molecular consequence: synonymous variant.
Genome position (GRCh38, 1-based): chr11:70,078,642, C>A. VCF-style: chr11-70078642-C-A. GRCh37 (hg19) VCF-style: chr11-69924748-C-A.
Other names: c.159C>A, p.Ala53= (NM_001378092.1); c.36C>A, p.Ala12= (NM_001378093.1, NM_001378094.2, NM_001378095.2 and 2 more transcripts).
Identifiers: ClinVar variation 3341740 (VCV003341740.16).
Genomic context (GRCh38, chr11:70,078,642, plus strand): 5'-CGGTCCCAGCGCACAGGCGGCCACGATGAGGGTCAACGAGAAGTACTCGACGCTCCCGGC[C>A]GAGGACCGCAGCGTCCACATCATCAACATCTGCGCCATCGAGGACATCGGCTACCTGCCG-3'
Protein context (NP_060513.5, residues 2-22): RVNEKYSTLP[Ala12=]EDRSVHIINI

ClinVar aggregate classification (germline): Likely benign (1 of 4 stars; one submission).

gnomAD v4.1: 5 of 1,501,744 alleles (0.00033%); highest among the groups gnomAD compares: Middle Eastern, 0.018%; no homozygotes.

Submission:

CeGaT Center for Human Genetics Tuebingen
Classification: Likely benign. Last evaluated: 2024-08-01. Review status: criteria provided, single submitter. Criteria: CeGaT Center For Human Genetics Tuebingen Variant Classification Criteria Version 2. Collection method: clinical testing. Allele origin: germline. Affected: yes. Observed: 1 variant allele.
Comment: ANO1: BP4, BP7